The following is an entry in ClinVar:

NM_020738.4(KIDINS220):c.2370+4C>T

Gene: KIDINS220 (kinase D interacting substrate 220; minus strand). Cytogenetic location: 2p25.1.
Variant type: single nucleotide variant.
Coding change: c.2370+4C>T on transcript NM_020738.4 (MANE Select); 4 bases into the intron after coding-DNA position 2370, C replaced by T.
Molecular consequence: intron variant.
Genome position (GRCh38, 1-based): chr2:8,779,670, G>A on the plus strand (C>T on the coding strand, the complement: KIDINS220 is on the minus strand). VCF-style: chr2-8779670-G-A. GRCh37 (hg19) VCF-style: chr2-8919800-G-A.
Other names: c.2370+4C>T (NM_020738.2, NM_001348741.2, NM_001348738.2 and 4 more transcripts); c.2373+4C>T (NM_001348739.2, NM_001348740.2, NM_001348734.2 and 3 more transcripts); c.2244+4C>T (NM_001348736.2).
Identifiers: ClinVar variation 1393633 (VCV001393633.7), dbSNP rs749156024, ClinGen allele CA1520000.
Genomic context (GRCh38, chr2:8,779,670, plus strand): 5'-AGTCAAACATTCTCTCAAGTGCCACAACATAACAATGGTGGCTTTTGAGGTGGCGCAAAC[G>A]TACAGTGTCCAGCATCTGAAGGACTTTGTCCTGCTCACAGGCATCTAATCCATCGATGAT-3'

ClinVar aggregate classification (germline): Uncertain significance. Review status: criteria provided, single submitter (1 of 4 stars). 2 submissions from 2 submitters: Uncertain significance (1). 1 of the submissions does not count toward it. Last evaluated 2022-08-13.

Conditions:
KIDINS220-related disorder. Also called: KIDINS220-related condition.

Allele frequency attached by ClinVar (database versions not stated): ExAC 0.00001; gnomAD 0.00001; gnomAD exomes 0.00002; TOPMed 0.00002.
gnomAD v4.1: 24 of 1,611,940 alleles (0.0015%); highest among the groups gnomAD compares: Middle Eastern, 0.016%; no homozygotes.

Submissions (2):

Labcorp Genetics (formerly Invitae), Labcorp
Classification: Uncertain significance. Last evaluated: 2022-08-13. Review status: criteria provided, single submitter. Criteria: Invitae Variant Classification Sherloc (09022015). Collection method: clinical testing. Allele origin: germline.
Comment: This sequence change falls in intron 18 of the KIDINS220 gene. It does not directly change the encoded amino acid sequence of the KIDINS220 protein. It affects a nucleotide within the consensus splice site. This variant is present in population databases (rs749156024, gnomAD 0.01%). This variant has not been reported in the literature in individuals affected with KIDINS220-related conditions. ClinVar contains an entry for this variant (Variation ID: 1393633). Variants that disrupt the consensus splice site are a relatively common cause of aberrant splicing (PMID: 17576681, 9536098). Algorithms developed to predict the effect of sequence changes on RNA splicing suggest that this variant may create or strengthen a splice site. In summary, the available evidence is currently insufficient to determine the role of this variant in disease. Therefore, it has been classified as a Variant of Uncertain Significance.

PreventionGenetics, part of Exact Sciences
Classification: Likely benign for KIDINS220-related condition. Last evaluated: 2023-08-14. Review status: no assertion criteria provided. Collection method: clinical testing. Allele origin: germline. Not counted in ClinVar's aggregate classification.
Comment: This variant is classified as likely benign based on ACMG/AMP sequence variant interpretation guidelines (Richards et al. 2015 PMID: 25741868, with internal and published modifications).

Literature cited by the submitters: PubMed 17576681 (cited by Labcorp Genetics (formerly Invitae), Labcorp); PubMed 9536098 (cited by Labcorp Genetics (formerly Invitae), Labcorp).